The following is an entry in ClinVar:

ClinVar aggregate classification (germline): Uncertain significance (1 of 4 stars; one submission).

Allele frequency attached by ClinVar (database versions not stated): TOPMed below 0.00001; gnomAD 0.00001; gnomAD exomes 0.00001.
gnomAD v4.1: 8 of 1,609,046 alleles (0.0005%); highest among the groups gnomAD compares: East Asian, 0.0067%; no homozygotes.

Submission:

Labcorp Genetics (formerly Invitae), Labcorp
Classification: Uncertain significance. Last evaluated: 2025-04-21. Review status: criteria provided, single submitter. Criteria: Invitae Variant Classification Sherloc (09022015). Collection method: clinical testing. Allele origin: germline.
Comment: This sequence change replaces glycine, which is neutral and non-polar, with serine, which is neutral and polar, at codon 441 of the AP3B2 protein (p.Gly441Ser). This variant is present in population databases (no rsID available, gnomAD 0.006%). This variant has not been reported in the literature in individuals affected with AP3B2-related conditions. ClinVar contains an entry for this variant (Variation ID: 1438570). An algorithm developed to predict the effect of missense changes on protein structure and function (PolyPhen-2) suggests that this variant is likely to be tolerated. In summary, the available evidence is currently insufficient to determine the role of this variant in disease. Therefore, it has been classified as a Variant of Uncertain Significance.

NM_001278512.2(AP3B2):c.1321G>A (p.Gly441Ser)

Genes: AP3B2 (adaptor related protein complex 3 subunit beta 2; minus strand), CPEB1-AS1 (CPEB1 antisense RNA 1; plus strand). Cytogenetic location: 15q25.2.
Variant type: single nucleotide variant.
Coding change: c.1321G>A on transcript NM_001278512.2 (MANE Select); coding-DNA position 1321, G replaced by A.
Protein change: p.Gly441Ser; replaces glycine 441 with serine.
Molecular consequence: missense variant.
Genome position (GRCh38, 1-based): chr15:82,677,728, C>T on the plus strand (G>A on the coding strand, the complement: AP3B2 is on the minus strand). VCF-style: chr15-82677728-C-T. GRCh37 (hg19) VCF-style: chr15-83346480-C-T.
Other names: c.1225G>A, p.Gly409Ser (NM_001278511.2); c.1321G>A, p.Gly441Ser (NM_004644.5); short protein forms G409S, G441S.
Identifiers: ClinVar variation 1438570 (VCV001438570.6), dbSNP rs1297553338, ClinGen allele CA393316771.